The following is an entry in ClinVar:

ClinVar aggregate classification (germline): Likely benign (0 of 4 stars; one submission).

Conditions:
TNS2-related disorder. Also called: TNS2-related condition.

gnomAD v4.1: 6 of 1,614,118 alleles (0.00037%); highest among the groups gnomAD compares: South Asian, 0.0033%; no homozygotes.

Submission:

PreventionGenetics, part of Exact Sciences
Classification: Likely benign for TNS2-related condition. Last evaluated: 2022-12-20. Review status: no assertion criteria provided. Collection method: clinical testing. Allele origin: germline.
Comment: This variant is classified as likely benign based on ACMG/AMP sequence variant interpretation guidelines (Richards et al. 2015 PMID: 25741868, with internal and published modifications).

NM_170754.4(TNS2):c.3612C>T (p.Ile1204=)

Gene: TNS2 (tensin 2; plus strand). Cytogenetic location: 12q13.13.
Variant type: single nucleotide variant.
Coding change: c.3612C>T on transcript NM_170754.4 (MANE Select); coding-DNA position 3612, C replaced by T.
Protein change: p.Ile1204=; no amino-acid change (isoleucine 1204 retained).
Molecular consequence: synonymous variant.
Genome position (GRCh38, 1-based): chr12:53,062,190, C>T. VCF-style: chr12-53062190-C-T. GRCh37 (hg19) VCF-style: chr12-53455974-C-T.
Other names: c.3612C>T, p.Ile1204= (NM_001416202.1); c.3570C>T, p.Ile1190= (NM_001416203.1); c.3639C>T, p.Ile1213= (NM_001416204.1); c.3543C>T, p.Ile1181= (NM_015319.3); c.3240C>T, p.Ile1080= (NM_198316.2).
Identifiers: ClinVar variation 3036398 (VCV003036398.2), dbSNP rs199647801, ClinGen allele CA6592916.